The following is an entry in ClinVar:

ClinVar aggregate classification (germline): Uncertain significance. Review status: criteria provided, multiple submitters, no conflicts (2 of 4 stars). 2 submissions from 2 submitters: Uncertain significance (2). Last evaluated 2025-06-22.

Conditions:
Inborn genetic diseases. Identifiers: MedGen C0950123, MeSH D030342.

Submissions (2):

Ambry Genetics
Classification: Uncertain significance for Inborn genetic diseases. Last evaluated: 2025-06-22. Review status: criteria provided, single submitter. Criteria: Ambry Variant Classification Scheme 2023. Collection method: clinical testing. Allele origin: germline.

Labcorp Genetics (formerly Invitae), Labcorp
Classification: Uncertain significance. Last evaluated: 2024-10-30. Review status: criteria provided, single submitter. Criteria: Invitae Variant Classification Sherloc (09022015). Collection method: clinical testing. Allele origin: germline.
Comment: This sequence change replaces isoleucine, which is neutral and non-polar, with valine, which is neutral and non-polar, at codon 867 of the IGF1R protein (p.Ile867Val). This variant is not present in population databases (gnomAD no frequency). This variant has not been reported in the literature in individuals affected with IGF1R-related conditions. Invitae Evidence Modeling of protein sequence and biophysical properties (such as structural, functional, and spatial information, amino acid conservation, physicochemical variation, residue mobility, and thermodynamic stability) indicates that this missense variant is not expected to disrupt IGF1R protein function with a negative predictive value of 80%. In summary, the available evidence is currently insufficient to determine the role of this variant in disease. Therefore, it has been classified as a Variant of Uncertain Significance.

NM_000875.5(IGF1R):c.2599A>G (p.Ile867Val)

Gene: IGF1R (insulin like growth factor 1 receptor; plus strand). Cytogenetic location: 15q26.3.
Variant type: single nucleotide variant.
Coding change: c.2599A>G on transcript NM_000875.5 (MANE Select); coding-DNA position 2599, A replaced by G.
Protein change: p.Ile867Val; replaces isoleucine 867 with valine.
Molecular consequence: missense variant.
Genome position (GRCh38, 1-based): chr15:98,923,989, A>G. VCF-style: chr15-98923989-A-G. GRCh37 (hg19) VCF-style: chr15-99467218-A-G.
Other names: c.2599A>G (NM_000875.3); c.2599A>G, p.Ile867Val (NM_001291858.2); short protein forms I867V.
Identifiers: ClinVar variation 3715508 (VCV003715508.3).